The following is an entry in ClinVar:

NM_000243.3(MEFV):c.1622T>C (p.Val541Ala)

Gene: MEFV (MEFV innate immunity regulator, pyrin; minus strand). Cytogenetic location: 16p13.3.
Variant type: single nucleotide variant.
Coding change: c.1622T>C on transcript NM_000243.3 (MANE Select); coding-DNA position 1622, T replaced by C.
Protein change: p.Val541Ala; replaces valine 541 with alanine.
Molecular consequence: missense variant.
Genome position (GRCh38, 1-based): chr16:3,244,577, A>G on the plus strand (T>C on the coding strand, the complement: MEFV is on the minus strand). VCF-style: chr16-3244577-A-G. GRCh37 (hg19) VCF-style: chr16-3294577-A-G.
Other names: c.989T>C, p.Val330Ala (NM_001198536.2); short protein forms V541A, V330A.
Identifiers: ClinVar variation 495752 (VCV000495752.4), dbSNP rs922232615, ClinGen allele CA276896167.

ClinVar aggregate classification (germline): Conflicting classifications of pathogenicity. Review status: criteria provided, conflicting classifications (1 of 4 stars). 6 submissions from 4 submitters: Uncertain significance (3); Likely benign (2). 1 of the submissions does not count toward it. Last evaluated 2023-02-08.

Conditions:
Acute febrile neutrophilic dermatosis (AFND). Also called: Sweet Syndrome; Gomm Button disease. Identifiers: Orphanet 3243, MedGen C0085077, MONDO:0011959, OMIM 608068.
Familial Mediterranean fever (FMF). Also called: POLYSEROSITIS, FAMILIAL PAROXYSMAL; POLYSEROSITIS, RECURRENT; Periodic peritonitis; Benign paroxysmal peritonitis. Identifiers: Orphanet 342, MedGen C0031069, MONDO:0018088, OMIM 249100. Disease mechanism: gain of function.
Familial Mediterranean fever, autosomal dominant. Also called: FMF, AUTOSOMAL DOMINANT; Dominant Familial Mediterranean Fever. Identifiers: Orphanet 342, MedGen C1851347, MONDO:0007601, OMIM 134610.

gnomAD v4.1: 1 of 1,613,716 alleles (0.000062%); no homozygotes.

Submissions (6):

Genome-Nilou Lab
Classification: Uncertain significance for Familial Mediterranean fever. Last evaluated: 2023-02-08. Review status: criteria provided, single submitter. Criteria: ACMG Guidelines, 2015. Collection method: clinical testing. Allele origin: germline.

Genome-Nilou Lab
Classification: Likely benign for Familial Mediterranean fever, autosomal dominant. Last evaluated: 2023-02-08. Review status: criteria provided, single submitter. Criteria: ACMG Guidelines, 2015. Collection method: clinical testing. Allele origin: germline.

Genome-Nilou Lab
Classification: Likely benign for Acute febrile neutrophilic dermatosis. Last evaluated: 2023-02-08. Review status: criteria provided, single submitter. Criteria: ACMG Guidelines, 2015. Collection method: clinical testing. Allele origin: germline.

Fulgent Genetics
Classification: Uncertain significance for Familial Mediterranean fever, autosomal dominant; Familial Mediterranean fever; Acute febrile neutrophilic dermatosis. Last evaluated: 2022-01-19. Review status: criteria provided, single submitter. Criteria: ACMG Guidelines, 2015. Collection method: clinical testing. Allele origin: unknown.

Women's Health and Genetics/Laboratory Corporation of America, LabCorp
Classification: Uncertain significance. Last evaluated: 2016-04-08. Review status: criteria provided, single submitter. Criteria: LabCorp Variant Classification Summary - May 2015. Collection method: clinical testing. Allele origin: germline.
Comment: Variant summary: The c.1622T>C Variant affects a non-conserved nucleotide and results in a replacement of a medium size and hydrophobic Valine (V) with a small size and hydrophobic Alanine (A). 2/4 in silico tools predict the variant to be neutral. The variant is absent from the large and broad cohorts of the ExAC project and to our knowledge, it has not been reported in affected patients either. Due to the lack of clinical data and functional studies, the variant was classified as a variant of uncertain significance until more information becomes available.

Natera, Inc.
Classification: Uncertain significance for Familial Mediterranean fever. Last evaluated: 2021-06-03. Review status: no assertion criteria provided. Collection method: clinical testing. Allele origin: germline. Not counted in ClinVar's aggregate classification.